The following is an entry in ClinVar:

NM_003560.4(PLA2G6):c.1689C>G (p.Phe563Leu)

Gene: PLA2G6 (phospholipase A2 group VI; minus strand). Cytogenetic location: 22q13.1.
Variant type: single nucleotide variant.
Coding change: c.1689C>G on transcript NM_003560.4 (MANE Select); coding-DNA position 1689, C replaced by G.
Protein change: p.Phe563Leu; replaces phenylalanine 563 with leucine.
Molecular consequence: missense variant.
Genome position (GRCh38, 1-based): chr22:38,120,812, G>C on the plus strand (C>G on the coding strand, the complement: PLA2G6 is on the minus strand). VCF-style: chr22-38120812-G-C. GRCh37 (hg19) VCF-style: chr22-38516819-G-C.
Other names: c.1527C>G, p.Phe509Leu (NM_001004426.3, NM_001199562.3, NM_001349865.2 and 1 more transcripts); c.1689C>G, p.Phe563Leu (NM_001349864.2); c.1155C>G, p.Phe385Leu (NM_001349867.2); c.1011C>G, p.Phe337Leu (NM_001349868.2); c.993C>G, p.Phe331Leu (NM_001349869.2); short protein forms F337L, F563L, F331L, F385L, F509L.
Identifiers: ClinVar variation 1447121 (VCV001447121.5), dbSNP rs146415291, ClinGen allele CA324187498.
Genomic context (GRCh38, chr22:38,120,812, plus strand): 5'-GGCTTACTTGGGTTTCCTGACGTCCGTCATCTTGGTGTGCTCCCCAAACTCCCGCTTCAG[G>C]AACTCCTCCAGGGGCCCCGACTCGTAGGGCCTGGAGCCCCGGAACACCTCATCCTTCATG-3'
Protein context (NP_003551.2, residues 553-573): RPYESGPLEE[Phe563Leu]LKREFGEHTK

ClinVar aggregate classification (germline): Uncertain significance. Review status: criteria provided, multiple submitters, no conflicts (2 of 4 stars). 2 submissions from 2 submitters: Uncertain significance (2). Last evaluated 2023-06-30.

Conditions:
Infantile neuroaxonal dystrophy (NBIA2A). Also called: NEURODEGENERATION WITH BRAIN IRON ACCUMULATION 2A; Infantile neuroaxonal dystrophy 1; SEITELBERGER DISEASE. Identifiers: Orphanet 35069, MedGen C0270724, MONDO:0024457, OMIM 256600.

Allele frequency attached by ClinVar (database versions not stated): gnomAD exomes below 0.00001 and 0.00001; TOPMed 0.00001; ESP Exome Variant Server 0.00008.
gnomAD v4.1: 16 of 1,613,904 alleles (0.00099%); highest among the groups gnomAD compares: Non-Finnish European, 0.0014%; no homozygotes.

Submissions (2):

Blueprint Genetics
Classification: Uncertain significance. Last evaluated: 2023-06-30. Review status: criteria provided, single submitter. Criteria: ACMG Guidelines, 2015. Collection method: clinical testing. Allele origin: germline.

Labcorp Genetics (formerly Invitae), Labcorp
Classification: Uncertain significance for Infantile neuroaxonal dystrophy. Last evaluated: 2022-10-13. Review status: criteria provided, single submitter. Criteria: Invitae Variant Classification Sherloc (09022015). Collection method: clinical testing. Allele origin: germline.
Comment: This sequence change replaces phenylalanine, which is neutral and non-polar, with leucine, which is neutral and non-polar, at codon 563 of the PLA2G6 protein (p.Phe563Leu). This variant is present in population databases (rs146415291, gnomAD 0.0009%). This variant has not been reported in the literature in individuals affected with PLA2G6-related conditions. ClinVar contains an entry for this variant (Variation ID: 1447121). Advanced modeling of protein sequence and biophysical properties (such as structural, functional, and spatial information, amino acid conservation, physicochemical variation, residue mobility, and thermodynamic stability) performed at Invitae indicates that this missense variant is not expected to disrupt PLA2G6 protein function. In summary, the available evidence is currently insufficient to determine the role of this variant in disease. Therefore, it has been classified as a Variant of Uncertain Significance.